The following is an entry in ClinVar:

ClinVar aggregate classification (germline): Uncertain significance (1 of 4 stars; one submission).

gnomAD v4.1: 3 of 1,211,707 alleles (0.00025%); highest among the groups gnomAD compares: East Asian, 0.003%; no homozygotes.

Submission:

GeneDx
Classification: Uncertain significance. Last evaluated: 2025-06-05. Review status: criteria provided, single submitter. Criteria: GeneDx Variant Classification Process June 2021. Collection method: clinical testing. Allele origin: germline. Affected: yes.
Comment: In silico analysis supports that this missense variant has a deleterious effect on protein structure/function; Has not been previously published as pathogenic or benign to our knowledge

NM_001448.3(GPC4):c.1091G>A (p.Arg364His)

Gene: GPC4 (glypican 4; minus strand). Cytogenetic location: Xq26.2.
Variant type: single nucleotide variant.
Coding change: c.1091G>A on transcript NM_001448.3 (MANE Select); coding-DNA position 1091, G replaced by A.
Protein change: p.Arg364His; replaces arginine 364 with histidine.
Molecular consequence: missense variant.
Genome position (GRCh38, 1-based): chrX:133,305,836, C>T on the plus strand (G>A on the coding strand, the complement: GPC4 is on the minus strand). VCF-style: chrX-133305836-C-T. GRCh37 (hg19) VCF-style: chrX-132439864-C-T.
Other names: short protein forms R364H.
Identifiers: ClinVar variation 4536469 (VCV004536469.1).